The following is an entry in ClinVar:

NM_001042492.3(NF1):c.8369A>T (p.His2790Leu)

Gene: NF1 (neurofibromin 1; plus strand). Cytogenetic location: 17q11.2.
Variant type: single nucleotide variant.
Coding change: c.8369A>T on transcript NM_001042492.3 (MANE Select); coding-DNA position 8369, A replaced by T.
Protein change: p.His2790Leu; replaces histidine 2790 with leucine.
Molecular consequence: missense variant.
Genome position (GRCh38, 1-based): chr17:31,360,695, A>T. VCF-style: chr17-31360695-A-T. GRCh37 (hg19) VCF-style: chr17-29687713-A-T.
Other names: c.8306A>T, p.His2769Leu (NM_000267.4); short protein forms H2790L, H2769L.
Identifiers: ClinVar variation 1762852 (VCV001762852.5), dbSNP rs2070377404, ClinGen allele CA399205125.

ClinVar aggregate classification (germline): Uncertain significance. Review status: criteria provided, multiple submitters, no conflicts (2 of 4 stars). 2 submissions from 2 submitters: Uncertain significance (2). Last evaluated 2023-07-16.

Conditions:
Neurofibromatosis, type 1 (NF1). Also called: Peripheral type neurofibromatosis; VON RECKLINGHAUSEN DISEASE; NEUROFIBROMATOSIS, TYPE I, SOMATIC; Neurofibromatosis, type I. Identifiers: Orphanet 636, MedGen C0027831, MONDO:0018975, OMIM 162200. Disease mechanism: loss of function.
Cardiovascular phenotype. Identifiers: MedGen CN230736.
Hereditary cancer-predisposing syndrome. Also called: Neoplastic Syndromes, Hereditary; Tumor predisposition; Hereditary neoplastic syndrome; Hereditary Cancer Syndrome. Identifiers: Orphanet 140162, MedGen C0027672, MeSH D009386, MONDO:0015356.

Submissions (2):

Labcorp Genetics (formerly Invitae), Labcorp
Classification: Uncertain significance for Neurofibromatosis, type 1. Last evaluated: 2023-07-16. Review status: criteria provided, single submitter. Criteria: Invitae Variant Classification Sherloc (09022015). Collection method: clinical testing. Allele origin: germline.
Comment: This sequence change replaces histidine, which is basic and polar, with leucine, which is neutral and non-polar, at codon 2769 of the NF1 protein (p.His2769Leu). In summary, the available evidence is currently insufficient to determine the role of this variant in disease. Therefore, it has been classified as a Variant of Uncertain Significance. Advanced modeling of protein sequence and biophysical properties (such as structural, functional, and spatial information, amino acid conservation, physicochemical variation, residue mobility, and thermodynamic stability) has been performed at Invitae for this missense variant, however the output from this modeling did not meet the statistical confidence thresholds required to predict the impact of this variant on NF1 protein function. ClinVar contains an entry for this variant (Variation ID: 1762852). This variant has not been reported in the literature in individuals affected with NF1-related conditions. This variant is not present in population databases (gnomAD no frequency).

Ambry Genetics
Classification: Uncertain significance for Cardiovascular phenotype; Hereditary cancer-predisposing syndrome. Last evaluated: 2021-06-18. Review status: criteria provided, single submitter. Criteria: Ambry Variant Classification Scheme 2023. Collection method: clinical testing. Allele origin: germline.
Comment: The p.H2769L variant (also known as c.8306A>T), located in coding exon 56 of the NF1 gene, results from an A to T substitution at nucleotide position 8306. The histidine at codon 2769 is replaced by leucine, an amino acid with similar properties. This amino acid position is highly conserved in available vertebrate species. In addition, this alteration is predicted to be tolerated by in silico analysis. Since supporting evidence is limited at this time, the clinical significance of this alteration remains unclear.